The following is an entry in ClinVar:

NM_024675.4(PALB2):c.560C>A (p.Pro187His)

Gene: PALB2 (partner and localizer of BRCA2; minus strand). Cytogenetic location: 16p12.2.
Variant type: single nucleotide variant.
Coding change: c.560C>A on transcript NM_024675.4 (MANE Select); coding-DNA position 560, C replaced by A.
Protein change: p.Pro187His; replaces proline 187 with histidine.
Molecular consequence: missense variant.
Genome position (GRCh38, 1-based): chr16:23,635,986, G>T on the plus strand (C>A on the coding strand, the complement: PALB2 is on the minus strand). VCF-style: chr16-23635986-G-T. GRCh37 (hg19) VCF-style: chr16-23647307-G-T.
Other names: short protein forms P187H.
Identifiers: ClinVar variation 481010 (VCV000481010.32), dbSNP rs371582757, ClinGen allele CA7963781.

ClinVar aggregate classification (germline): Conflicting classifications of pathogenicity. Review status: criteria provided, conflicting classifications (1 of 4 stars). 12 submissions from 12 submitters: Uncertain significance (7); Likely benign (5). Last evaluated 2026-01-21.

Conditions:
Hereditary cancer-predisposing syndrome. Also called: Tumor predisposition; Hereditary neoplastic syndrome; Hereditary Cancer Syndrome; Neoplastic Syndromes, Hereditary. Identifiers: Orphanet 140162, MedGen C0027672, MeSH D009386, MONDO:0015356.
Breast-ovarian cancer, familial, susceptibility to, 5 (BROVCA5). Identifiers: MedGen C5830615, MONDO:0957530, OMIM 620442.
Hereditary cancer. Identifiers: MedGen C1333600.
Familial cancer of breast. Also called: hereditary breast carcinoma; Hereditary breast cancer; BREAST CANCER, FAMILIAL. Identifiers: Orphanet 227535, MedGen C0346153, MONDO:0016419, OMIM 114480. Disease mechanism: loss of function.

Allele frequency attached by ClinVar (database versions not stated): gnomAD 0.00001; gnomAD exomes 0.00002 and 0.00006; ExAC 0.00004; 1000 Genomes Project 30x 0.00016; 1000 Genomes Project 0.00020.
gnomAD v4.1: 42 of 1,614,110 alleles (0.0026%); highest among the groups gnomAD compares: South Asian, 0.037%; no homozygotes.

Submissions (12):

Labcorp Genetics (formerly Invitae), Labcorp
Classification: Likely benign for Familial cancer of breast. Last evaluated: 2026-01-21. Review status: criteria provided, single submitter. Criteria: Invitae Variant Classification Sherloc (09022015). Collection method: clinical testing. Allele origin: germline.

Quest Diagnostics Nichols Institute San Juan Capistrano
Classification: Uncertain significance. Last evaluated: 2025-05-31. Review status: criteria provided, single submitter. Criteria: Quest Diagnostics criteria. Collection method: clinical testing. Allele origin: unknown.
Comment: The PALB2 c.560C>A (p.Pro187His) variant has been reported in the published literature in at least one individual with breast cancer (PMIDs: 35264596 (2022), 35534704 (2022)), and has been identified in one breast cancer case as well as multiple reportedly unaffected individuals in a large-scale breast cancer association study (PMID: 33471991 (2021), see also LOVD). The frequency of this variant in the general population (Genome Aggregation Database) is higher than would generally be expected for pathogenic variants in this gene. Analysis of this variant using bioinformatics tools for the prediction of the effect of amino acid changes on protein structure and function yielded predictions that this variant is benign. Based on the available information, we are unable to determine the clinical significance of this variant.

Molecular Pathology, Peter Maccallum Cancer Centre
Classification: Likely benign for Familial cancer of breast. Last evaluated: 2024-10-10. Review status: criteria provided, single submitter. Criteria: ACMG Guidelines, 2015. Collection method: clinical testing. Allele origin: germline. Inheritance: Autosomal dominant inheritance.

Blueprint Genetics
Classification: Uncertain significance. Last evaluated: 2024-07-11. Review status: criteria provided, single submitter. Criteria: ACMG Guidelines, 2015. Collection method: clinical testing. Allele origin: germline.

Baylor Genetics
Classification: Uncertain significance for Familial cancer of breast. Last evaluated: 2024-02-25. Review status: criteria provided, single submitter. Criteria: ACMG Guidelines, 2015. Collection method: clinical testing. Allele origin: unknown.

Mendelics
Classification: Likely benign for Hereditary cancer. Last evaluated: 2024-01-23. Review status: criteria provided, single submitter. Criteria: ACMG Guidelines, 2015. Collection method: clinical testing. Allele origin: unknown.

Ambry Genetics
Classification: Likely benign for Hereditary cancer-predisposing syndrome. Last evaluated: 2024-01-14. Review status: criteria provided, single submitter. Criteria: Ambry Variant Classification Scheme 2023. Collection method: clinical testing. Allele origin: germline.

GeneDx
Classification: Uncertain significance. Last evaluated: 2023-03-17. Review status: criteria provided, single submitter. Criteria: GeneDx Variant Classification Process June 2021. Collection method: clinical testing. Allele origin: germline. Affected: yes.
Comment: In silico analysis supports that this missense variant has a deleterious effect on protein structure/function; Observed in individuals with breast cancer or Fanconi anemia (George et al., 2021; Guindalini et al., 2022); This variant is associated with the following publications: (PMID: 20871615, 19369211, 35264596, 34585473, 30949167)

Neuberg Centre For Genomic Medicine, NCGM
Classification: Uncertain significance for Breast-ovarian cancer, familial, susceptibility to, 5. Last evaluated: 2023-02-14. Review status: criteria provided, single submitter. Criteria: ACMG Guidelines, 2015. Collection method: clinical testing. Allele origin: germline. Inheritance: Autosomal dominant inheritance. Affected: yes.
Comment: The missense c.560C>A (p.Pro187His) variant in PALB2 gene has not been reported previously as a pathogenic variant nor as a benign variant, to our knowledge. The p.Pro187His variant has allele frequency 0.006% is novel (not in any individuals) in gnomAD Exomes and 1000 Genomes. This variant has been reported to the ClinVar database as Likely benign / Uncertain Significance. The amino acid change p.Pro187His in PALB2 is predicted as conserved by GERP++ and PhyloP across 100 vertebrates. The amino acid Pro at position 187 is changed to a His changing protein sequence and it might alter its composition and physico-chemical properties For these reasons, this variant has been classified as Variant of Uncertain Significance (VUS).

Department of Pathology and Laboratory Medicine, Sinai Health System
Classification: Uncertain significance for Breast-ovarian cancer, familial, susceptibility to, 5. Last evaluated: 2022-10-28. Review status: criteria provided, single submitter. Criteria: ACMG Guidelines, 2015. Collection method: clinical testing. Allele origin: germline. Affected: yes.

Laboratorio de Genetica e Diagnostico Molecular, Hospital Israelita Albert Einstein
Classification: Uncertain significance for Familial cancer of breast. Last evaluated: 2021-11-22. Review status: criteria provided, single submitter. Criteria: ACMG Guidelines, 2015. Collection method: clinical testing. Allele origin: germline. Affected: yes.
Comment: ACMG classification criteria: BP4 supporting

Color Diagnostics, LLC DBA Color Health
Classification: Likely benign for Hereditary cancer-predisposing syndrome. Last evaluated: 2021-05-19. Review status: criteria provided, single submitter. Criteria: ACMG Guidelines, 2015. Collection method: clinical testing. Allele origin: germline.

Literature cited by the submitters: PubMed 34585473 (cited by Quest Diagnostics Nichols Institute San Juan Capistrano); PubMed 35534704 (cited by Quest Diagnostics Nichols Institute San Juan Capistrano); PubMed 35264596 (cited by Quest Diagnostics Nichols Institute San Juan Capistrano and Ambry Genetics); PubMed 33471991 (cited by Quest Diagnostics Nichols Institute San Juan Capistrano and Department of Pathology and Laboratory Medicine, Sinai Health System); PubMed 30949167 (cited by Ambry Genetics).